The following is an entry in ClinVar:

NM_016156.6(MTMR2):c.1351A>G (p.Lys451Glu)

Gene: MTMR2 (myotubularin related protein 2; minus strand). Cytogenetic location: 11q21.
Variant type: single nucleotide variant.
Coding change: c.1351A>G on transcript NM_016156.6 (MANE Select); coding-DNA position 1351, A replaced by G.
Protein change: p.Lys451Glu; replaces lysine 451 with glutamic acid.
Molecular consequence: missense variant.
Genome position (GRCh38, 1-based): chr11:95,844,988, T>C on the plus strand (A>G on the coding strand, the complement: MTMR2 is on the minus strand). VCF-style: chr11-95844988-T-C. GRCh37 (hg19) VCF-style: chr11-95578152-T-C.
Other names: c.1135A>G, p.Lys379Glu (NM_001243571.2, NM_201278.3, NM_201281.3); short protein forms K379E, K451E.
Identifiers: ClinVar variation 1949620 (VCV001949620.6), dbSNP rs1417691745, ClinGen allele CA382420478.

ClinVar aggregate classification (germline): Uncertain significance. Review status: criteria provided, multiple submitters, no conflicts (2 of 4 stars). 2 submissions from 2 submitters: Uncertain significance (2). Last evaluated 2024-07-15.

Conditions:
Charcot-Marie-Tooth disease type 4. Also called: Charcot-Marie-Tooth, Type 4; Charcot-Marie-Tooth disease, type IV. Identifiers: Orphanet 64749, MedGen C4082197, MONDO:0018995.

Allele frequency attached by ClinVar (database versions not stated): gnomAD exomes below 0.00001; TOPMed below 0.00001.
gnomAD v4.1: 4 of 1,613,858 alleles (0.00025%); highest among the groups gnomAD compares: Non-Finnish European, 0.00034%; no homozygotes.

Submissions (2):

GeneDx
Classification: Uncertain significance. Last evaluated: 2024-07-15. Review status: criteria provided, single submitter. Criteria: GeneDx Variant Classification Process June 2021. Collection method: clinical testing. Allele origin: germline. Affected: yes.
Comment: Not observed at significant frequency in large population cohorts (gnomAD); In silico analysis supports that this missense variant has a deleterious effect on protein structure/function; Has not been previously published as pathogenic or benign to our knowledge; This variant is associated with the following publications: (PMID: 23962696)

Labcorp Genetics (formerly Invitae), Labcorp
Classification: Uncertain significance for Charcot-Marie-Tooth disease type 4. Last evaluated: 2022-07-08. Review status: criteria provided, single submitter. Criteria: Invitae Variant Classification Sherloc (09022015). Collection method: clinical testing. Allele origin: germline.
Comment: This variant has not been reported in the literature in individuals affected with MTMR2-related conditions. Advanced modeling of protein sequence and biophysical properties (such as structural, functional, and spatial information, amino acid conservation, physicochemical variation, residue mobility, and thermodynamic stability) performed at Invitae indicates that this missense variant is expected to disrupt MTMR2 protein function. In summary, the available evidence is currently insufficient to determine the role of this variant in disease. Therefore, it has been classified as a Variant of Uncertain Significance. This variant is not present in population databases (gnomAD no frequency). This sequence change replaces lysine, which is basic and polar, with glutamic acid, which is acidic and polar, at codon 451 of the MTMR2 protein (p.Lys451Glu).